The following is an entry in ClinVar:

NM_001039141.3(TRIOBP):c.3833dup (p.Pro1279fs)

Gene: TRIOBP (TRIO and F-actin binding protein; plus strand). Cytogenetic location: 22q13.1.
Variant type: Duplication.
Coding change: c.3833dup on transcript NM_001039141.3 (MANE Select); coding-DNA position 3833, one base duplicated (C; older notation c.3833dupC).
Protein change: p.Pro1279fs; shifts the reading frame from proline 1279.
Molecular consequence: frameshift variant.
Genome position (GRCh38, 1-based): chr22:37,726,389, C duplicated; the last of 5 consecutive C bases (chr22:37,726,385-37,726,389); duplicating any one gives the same sequence. VCF-style (leftmost placement, unchanged base first): chr22-37726384-G-GC. GRCh37 (hg19) VCF-style: chr22-38122391-G-GC.
Other names: short protein forms P1279fs.
Identifiers: ClinVar variation 3358699 (VCV003358699.4).

ClinVar aggregate classification (germline): Pathogenic/Likely pathogenic. Review status: criteria provided, multiple submitters, no conflicts (2 of 4 stars). 3 submissions from 3 submitters: Pathogenic (1); Likely pathogenic (1). 1 of the submissions does not count toward it. Last evaluated 2024-06-21.

Conditions:
TRIOBP-related disorder. Also called: TRIOBP-related condition.

Submissions (3):

Labcorp Genetics (formerly Invitae), Labcorp
Classification: Pathogenic. Last evaluated: 2024-06-21. Review status: criteria provided, single submitter. Criteria: Invitae Variant Classification Sherloc (09022015). Collection method: clinical testing. Allele origin: germline.
Comment: This sequence change creates a premature translational stop signal (p.Pro1279Thrfs*102) in the TRIOBP gene. It is expected to result in an absent or disrupted protein product. Loss-of-function variants in TRIOBP are known to be pathogenic (PMID: 16385457, 16385458, 20510926). This variant is present in population databases (rs765878154, gnomAD 0.05%). This variant has not been reported in the literature in individuals affected with TRIOBP-related conditions. For these reasons, this variant has been classified as Pathogenic.

Blueprint Genetics
Classification: Likely pathogenic for TRIOBP-related disorders. Last evaluated: 2021-04-01. Review status: criteria provided, single submitter. Criteria: ACMG Guidelines, 2015. Collection method: clinical testing. Allele origin: germline. Affected: yes. Observed: 1 variant allele.

PreventionGenetics, part of Exact Sciences
Classification: Likely pathogenic for TRIOBP-related condition. Last evaluated: 2024-07-11. Review status: no assertion criteria provided. Collection method: clinical testing. Allele origin: germline. Not counted in ClinVar's aggregate classification.
Comment: The TRIOBP c.3833dupC variant is predicted to result in a frameshift and premature protein termination (p.Pro1279Thrfs*102). To our knowledge, this variant has not been reported in the literature. This variant is reported in 0.049% of alleles in individuals of Latino descent in gnomAD. Frameshift variants in TRIOBP are expected to be pathogenic. This variant is interpreted as likely pathogenic.

Literature cited by the submitters: PubMed 16385457 (cited by Labcorp Genetics (formerly Invitae), Labcorp); PubMed 16385458 (cited by Labcorp Genetics (formerly Invitae), Labcorp); PubMed 20510926 (cited by Labcorp Genetics (formerly Invitae), Labcorp).